The following is an entry in ClinVar:

NM_004260.4(RECQL4):c.768C>A (p.Ser256Arg)

Gene: RECQL4 (RecQ like helicase 4; minus strand). Cytogenetic location: 8q24.3.
Variant type: single nucleotide variant.
Coding change: c.768C>A on transcript NM_004260.4 (MANE Select); coding-DNA position 768, C replaced by A.
Protein change: p.Ser256Arg; replaces serine 256 with arginine.
Molecular consequence: missense variant.
Genome position (GRCh38, 1-based): chr8:144,516,351, G>T on the plus strand (C>A on the coding strand, the complement: RECQL4 is on the minus strand). VCF-style: chr8-144516351-G-T. GRCh37 (hg19) VCF-style: chr8-145741735-G-T.
Other names: short protein forms S256R.
Identifiers: ClinVar variation 853387 (VCV000853387.6), dbSNP rs772714143, ClinGen allele CA372689323.

ClinVar aggregate classification (germline): Uncertain significance. Review status: criteria provided, multiple submitters, no conflicts (2 of 4 stars). 2 submissions from 2 submitters: Uncertain significance (2). Last evaluated 2025-04-04.

Conditions:
Baller-Gerold syndrome (BGS). Also called: CRANIOSYNOSTOSIS WITH RADIAL DEFECTS. Identifiers: Orphanet 1225, MedGen C0265308, MONDO:0009039, OMIM 218600.
Inborn genetic diseases. Identifiers: MedGen C0950123, MeSH D030342.

Allele frequency attached by ClinVar (database versions not stated): TOPMed below 0.00001.

Submissions (2):

Ambry Genetics
Classification: Uncertain significance for Inborn genetic diseases. Last evaluated: 2025-04-04. Review status: criteria provided, single submitter. Criteria: Ambry Variant Classification Scheme 2023. Collection method: clinical testing. Allele origin: germline.
Comment: The p.S256R variant (also known as c.768C>A), located in coding exon 5 of the RECQL4 gene, results from a C to A substitution at nucleotide position 768. The serine at codon 256 is replaced by arginine, an amino acid with dissimilar properties. This amino acid position is conserved. In addition, this alteration is predicted to be tolerated by in silico analysis. Based on the available evidence, the clinical significance of this variant remains unclear.

Labcorp Genetics (formerly Invitae), Labcorp
Classification: Uncertain significance for Baller-Gerold syndrome. Last evaluated: 2023-03-08. Review status: criteria provided, single submitter. Criteria: Invitae Variant Classification Sherloc (09022015). Collection method: clinical testing. Allele origin: germline.
Comment: In summary, the available evidence is currently insufficient to determine the role of this variant in disease. Therefore, it has been classified as a Variant of Uncertain Significance. This sequence change replaces serine, which is neutral and polar, with arginine, which is basic and polar, at codon 256 of the RECQL4 protein (p.Ser256Arg). This variant is not present in population databases (gnomAD no frequency). This variant has not been reported in the literature in individuals affected with RECQL4-related conditions. ClinVar contains an entry for this variant (Variation ID: 853387). Advanced modeling of protein sequence and biophysical properties (such as structural, functional, and spatial information, amino acid conservation, physicochemical variation, residue mobility, and thermodynamic stability) performed at Invitae indicates that this missense variant is not expected to disrupt RECQL4 protein function.